The following is an entry in ClinVar:

ClinVar aggregate classification (germline): Uncertain significance (1 of 4 stars; one submission).

Conditions:
Breast-ovarian cancer, familial, susceptibility to, 4. Identifiers: Orphanet 145, MedGen C3280345, MONDO:0013669, OMIM 614291.

Submission:

Labcorp Genetics (formerly Invitae), Labcorp
Classification: Uncertain significance for Breast-ovarian cancer, familial, susceptibility to, 4. Last evaluated: 2022-03-19. Review status: criteria provided, single submitter. Criteria: Invitae Variant Classification Sherloc (09022015). Collection method: clinical testing. Allele origin: germline.
Comment: In summary, the available evidence is currently insufficient to determine the role of this variant in disease. Therefore, it has been classified as a Variant of Uncertain Significance. Algorithms developed to predict the effect of sequence changes on RNA splicing suggest that this variant may create or strengthen a splice site. Algorithms developed to predict the effect of missense changes on protein structure and function (SIFT, PolyPhen-2, Align-GVGD) all suggest that this variant is likely to be tolerated. This variant has not been reported in the literature in individuals affected with RAD51D-related conditions. This variant is not present in population databases (gnomAD no frequency). This sequence change replaces tryptophan, which is neutral and slightly polar, with cysteine, which is neutral and slightly polar, at codon 314 of the RAD51D protein (p.Trp314Cys).

NM_002878.4(RAD51D):c.942G>C (p.Trp314Cys)

Genes: RAD51D (RAD51 paralog D; minus strand), RAD51L3-RFFL (RAD51L3-RFFL readthrough; minus strand). Cytogenetic location: 17q12.
Variant type: single nucleotide variant.
Coding change: c.942G>C on transcript NM_002878.4 (MANE Select); coding-DNA position 942, G replaced by C.
Protein change: p.Trp314Cys; replaces tryptophan 314 with cysteine.
Molecular consequence: missense variant. On other transcripts: non-coding transcript variant (2).
Genome position (GRCh38, 1-based): chr17:35,100,998, C>G on the plus strand (G>C on the coding strand, the complement: RAD51D is on the minus strand). VCF-style: chr17-35100998-C-G. GRCh37 (hg19) VCF-style: chr17-33428017-C-G.
Other names: c.1002G>C, p.Trp334Cys (NM_001142571.2); c.606G>C, p.Trp202Cys (NM_133629.3); short protein forms W202C, W314C, W334C.
Identifiers: ClinVar variation 2114668 (VCV002114668.4), dbSNP rs2142409011, ClinGen allele CA399086114.